The following is an entry in ClinVar:

ClinVar aggregate classification (germline): Uncertain significance (1 of 4 stars; one submission).

Conditions:
Inborn genetic diseases. Identifiers: MedGen C0950123, MeSH D030342.

Submission:

Ambry Genetics
Classification: Uncertain significance for Inborn genetic diseases. Last evaluated: 2025-12-01. Review status: criteria provided, single submitter. Criteria: Ambry Variant Classification Scheme 2023. Collection method: clinical testing. Allele origin: germline.
Comment: The p.A25S variant (also known as c.73G>T), located in coding exon 1 of the CEBPA gene, results from a G to T substitution at nucleotide position 73. The alanine at codon 25 is replaced by serine, an amino acid with similar properties. This amino acid position is conserved. In addition, this alteration is predicted to be tolerated by in silico analysis. Based on the available evidence, the clinical significance of this variant remains unclear.

NM_004364.5(CEBPA):c.73G>T (p.Ala25Ser)

Gene: CEBPA (CCAAT enhancer binding protein alpha; minus strand). Cytogenetic location: 19q13.11.
Variant type: single nucleotide variant.
Coding change: c.73G>T on transcript NM_004364.5 (MANE Select); coding-DNA position 73, G replaced by T.
Protein change: p.Ala25Ser; replaces alanine 25 with serine.
Molecular consequence: missense variant. On other transcripts: 5 prime UTR variant (1).
Genome position (GRCh38, 1-based): chr19:33,302,342, C>A on the plus strand (G>T on the coding strand, the complement: CEBPA is on the minus strand). VCF-style: chr19-33302342-C-A. GRCh37 (hg19) VCF-style: chr19-33793248-C-A.
Other names: c.-285G>T (NM_001285829.2); c.178G>T, p.Ala60Ser (NM_001287424.2); c.31G>T, p.Ala11Ser (NM_001287435.2); short protein forms A60S, A11S, A25S.
Identifiers: ClinVar variation 4611543 (VCV004611543.1).